The following is an entry in ClinVar:

ClinVar aggregate classification (germline): Conflicting classifications of pathogenicity. Review status: criteria provided, conflicting classifications (1 of 4 stars). 4 submissions from 4 submitters: Pathogenic (2); Uncertain significance (1). 1 of the submissions does not count toward it. Last evaluated 2025-08-21.

Conditions:
Noonan syndrome (NS). Also called: Noonan's syndrome. Identifiers: Orphanet 648, MedGen C0028326, MeSH D009634, MONDO:0018997. Disease mechanism: gain of function.
Noonan syndrome 7 (NS7). Also called: BRAF-Related Noonan Syndrome. Identifiers: Orphanet 648, MedGen C3150970, MONDO:0013379, OMIM 613706.
RASopathy. Also called: Noonan spectrum disorder; rasopathies. Identifiers: Orphanet 536391, MedGen C5555857, MONDO:0021060.

Submissions (4):

Labcorp Genetics (formerly Invitae), Labcorp
Classification: Pathogenic for RASopathy. Last evaluated: 2025-08-21. Review status: criteria provided, single submitter. Criteria: Invitae Variant Classification Sherloc (09022015). Collection method: clinical testing. Allele origin: germline.
Comment: This sequence change replaces leucine, which is neutral and non-polar, with valine, which is neutral and non-polar, at codon 567 of the BRAF protein (p.Leu567Val). This variant is not present in population databases (gnomAD no frequency). This missense change has been observed in individual(s) with BRAF-related conditions (internal data). In at least one individual the variant was observed to be de novo. ClinVar contains an entry for this variant (Variation ID: 945231). Invitae Evidence Modeling incorporating data from in vitro experimental studies (internal data) indicates that this missense variant is expected to disrupt BRAF function with a positive predictive value of 95%. For these reasons, this variant has been classified as Pathogenic.

GeneDx
Classification: Pathogenic. Last evaluated: 2024-01-17. Review status: criteria provided, single submitter. Criteria: GeneDx Variant Classification Process June 2021. Collection method: clinical testing. Allele origin: germline.
Comment: Reported in an individual with clinical features related to Noonan syndrome (PMID: 30050098); Not observed in large population cohorts (gnomAD); In silico analysis, which includes protein predictors and evolutionary conservation, supports a deleterious effect; The majority of missense variants in this gene are considered pathogenic (HGMD); This variant is associated with the following publications: (PMID: 29907801, 30050098)

Baylor Genetics
Classification: Uncertain significance for Noonan syndrome 7. Last evaluated: 2020-05-05. Review status: criteria provided, single submitter. Criteria: ACMG Guidelines, 2015. Collection method: clinical testing. Allele origin: unknown. Affected: yes.
Comment: This variant was determined to be of uncertain significance according to ACMG Guidelines, 2015 [PMID:25741868].

Service de Génétique Moléculaire, Hôpital Robert Debré
Classification: Uncertain significance for Noonan syndrome. Review status: no assertion criteria provided. Collection method: clinical testing. Allele origin: unknown. Affected: yes. Not counted in ClinVar's aggregate classification.

NM_004333.6(BRAF):c.1699T>G (p.Leu567Val)

Gene: BRAF (B-Raf proto-oncogene, serine/threonine kinase; minus strand). Cytogenetic location: 7q34.
Variant type: single nucleotide variant.
Coding change: c.1699T>G on transcript NM_004333.6 (MANE Select); coding-DNA position 1699, T replaced by G.
Protein change: p.Leu567Val; replaces leucine 567 with valine.
Molecular consequence: missense variant.
Genome position (GRCh38, 1-based): chr7:140,754,229, A>C on the plus strand (T>G on the coding strand, the complement: BRAF is on the minus strand). VCF-style: chr7-140754229-A-C. GRCh37 (hg19) VCF-style: chr7-140454029-A-C.
Other names: c.1699T>G, p.Leu567Val (NM_001354609.2, NM_001378468.1, NM_001378474.1); c.1819T>G, p.Leu607Val (NM_001374244.1, NM_001374258.1); c.1708T>G, p.Leu570Val (NM_001378467.1); c.1633T>G, p.Leu545Val (NM_001378469.1); c.1597T>G, p.Leu533Val (NM_001378470.1); c.1588T>G, p.Leu530Val (NM_001378471.1); c.1543T>G, p.Leu515Val (NM_001378472.1, NM_001378473.1); c.1435T>G, p.Leu479Val (NM_001378475.1); short protein forms L545V, L567V, L479V, L515V, L530V, L533V, L570V, L607V.
Identifiers: ClinVar variation 945231 (VCV000945231.13), dbSNP rs2536007419, ClinGen allele CA369543995.